The following is an entry in ClinVar:

NM_000441.2(SLC26A4):c.1703C>A (p.Ser568Tyr)

Gene: SLC26A4 (solute carrier family 26 member 4; plus strand). Cytogenetic location: 7q22.3.
Variant type: single nucleotide variant.
Coding change: c.1703C>A on transcript NM_000441.2 (MANE Select); coding-DNA position 1703, C replaced by A.
Protein change: p.Ser568Tyr; replaces serine 568 with tyrosine.
Molecular consequence: missense variant.
Genome position (GRCh38, 1-based): chr7:107,700,171, C>A. VCF-style: chr7-107700171-C-A. GRCh37 (hg19) VCF-style: chr7-107340616-C-A.
Other names: short protein forms S568Y.
Identifiers: ClinVar variation 2657931 (VCV002657931.24), dbSNP rs2535335444, ClinGen allele CA368842373.

ClinVar aggregate classification (germline): Uncertain significance (1 of 4 stars; one submission).

gnomAD v4.1: 7 of 1,490,036 alleles (0.00047%); highest among the groups gnomAD compares: Non-Finnish European, 0.00047%; no homozygotes.

Submission:

CeGaT Center for Human Genetics Tuebingen
Classification: Uncertain significance. Last evaluated: 2023-10-01. Review status: criteria provided, single submitter. Criteria: CeGaT Center For Human Genetics Tuebingen Variant Classification Criteria Version 2. Collection method: clinical testing. Allele origin: germline. Affected: yes. Observed: 1 variant allele.
Comment: SLC26A4: PM2